The following is an entry in ClinVar:

ClinVar aggregate classification (germline): Uncertain significance. Review status: criteria provided, multiple submitters, no conflicts (2 of 4 stars). 2 submissions from 2 submitters: Uncertain significance (2). Last evaluated 2025-09-28.

Allele frequency attached by ClinVar (database versions not stated): ExAC 0.00001; gnomAD exomes 0.00001.
gnomAD v4.1: 9 of 1,614,142 alleles (0.00056%); highest among the groups gnomAD compares: East Asian, 0.0045%; no homozygotes.

Submissions (2):

Labcorp Genetics (formerly Invitae), Labcorp
Classification: Uncertain significance. Last evaluated: 2025-09-28. Review status: criteria provided, single submitter. Criteria: Invitae Variant Classification Sherloc (09022015). Collection method: clinical testing. Allele origin: germline.
Comment: This sequence change replaces glutamic acid, which is acidic and polar, with lysine, which is basic and polar, at codon 4740 of the HMCN1 protein (p.Glu4740Lys). This variant is present in population databases (rs749574546, gnomAD 0.01%). This variant has not been reported in the literature in individuals affected with HMCN1-related conditions. ClinVar contains an entry for this variant (Variation ID: 2882529). An algorithm developed to predict the effect of missense changes on protein structure and function (PolyPhen-2) suggests that this variant is likely to be disruptive. In summary, the available evidence is currently insufficient to determine the role of this variant in disease. Therefore, it has been classified as a Variant of Uncertain Significance.

Ambry Genetics
Classification: Uncertain significance. Last evaluated: 2025-07-12. Review status: criteria provided, single submitter. Criteria: Ambry Variant Classification Scheme 2023. Collection method: clinical testing. Allele origin: germline.

NM_031935.3(HMCN1):c.14218G>A (p.Glu4740Lys)

Gene: HMCN1 (hemicentin 1; plus strand). Cytogenetic location: 1q31.1.
Variant type: single nucleotide variant.
Coding change: c.14218G>A on transcript NM_031935.3 (MANE Select); coding-DNA position 14218, G replaced by A.
Protein change: p.Glu4740Lys; replaces glutamic acid 4740 with lysine.
Molecular consequence: missense variant.
Genome position (GRCh38, 1-based): chr1:186,144,655, G>A. VCF-style: chr1-186144655-G-A. GRCh37 (hg19) VCF-style: chr1-186113787-G-A.
Other names: c.14218G>A (NM_031935.2); short protein forms E4740K.
Identifiers: ClinVar variation 2882529 (VCV002882529.4), dbSNP rs749574546, ClinGen allele CA1294884.